The following is an entry in ClinVar:

NM_004287.5(GOSR2):c.478-20dup

Genes: LRRC37A2 (leucine rich repeat containing 37 member A2), GOSR2 (golgi SNAP receptor complex member 2; plus strand). Cytogenetic location: 17q21.32.
Variant type: Duplication.
Coding change: c.478-20dup on transcript NM_004287.5 (MANE Select); 20 bases into the intron before coding-DNA position 478, one base duplicated (T; older notation c.478-20dupT).
Molecular consequence: intron variant.
Genome position (GRCh38, 1-based): chr17:46,938,579, T duplicated; the last of 9 consecutive T bases (chr17:46,938,571-46,938,579); duplicating any one gives the same sequence. VCF-style (leftmost placement, unchanged base first): chr17-46938570-G-GT. GRCh37 (hg19) VCF-style: chr17-45015936-G-GT.
Other names: c.478-20dup (NM_001321133.2, NM_054022.4); c.424-20dup (NM_001363851.2); c.283-20dup (NM_001321134.2); c.337-20dup (NM_001330252.2); c.475-20dup (NM_001353114.2); c.334-20dup (NM_001353115.2, NM_001353116.2).
Identifiers: ClinVar variation 205625 (VCV000205625.1), dbSNP rs552913709, ClinGen allele CA314892.
Genomic context (GRCh38, chr17:46,938,570, plus strand): 5'-TTGGCAAAGCTCCATCTCCTGATGCCATTCACCCACTCTTGGTAAAGCGACTTGATGTTT[G>GT]TTTTTTTTTCTGTTCTCTTCTGCCCCAGGGGACTCAGAAGAAGATCCTTGACATTGCCAA-3'

ClinVar aggregate classification (germline): Benign (1 of 4 stars; one submission).

Submission:

GeneDx
Classification: Benign. Last evaluated: 2014-07-25. Review status: criteria provided, single submitter. Criteria: GeneDx Variant Classification (06012015). Collection method: clinical testing. Allele origin: germline. Affected: yes.
Comment: The variant is found in EPILEPSY panel(s).